The following is an entry in ClinVar:

ClinVar aggregate classification (germline): Uncertain significance (1 of 4 stars; one submission).

Conditions:
Norman-Roberts syndrome (LIS2). Also called: Lissencephaly 2 (Norman-Roberts type). Identifiers: Orphanet 89844, MedGen C0796089, MONDO:0009760, OMIM 257320.
Familial temporal lobe epilepsy 7. Identifiers: Orphanet 101046, MedGen C4225327, MONDO:0014639, OMIM 616436.

Allele frequency attached by ClinVar (database versions not stated): ExAC 0.00001; gnomAD exomes 0.00001.
gnomAD v4.1: 11 of 1,613,954 alleles (0.00068%); highest among the groups gnomAD compares: African/African-American, 0.0013%; no homozygotes.

Submission:

Labcorp Genetics (formerly Invitae), Labcorp
Classification: Uncertain significance for Familial temporal lobe epilepsy 7; Norman-Roberts syndrome. Last evaluated: 2022-06-20. Review status: criteria provided, single submitter. Criteria: Invitae Variant Classification Sherloc (09022015). Collection method: clinical testing. Allele origin: germline.
Comment: This sequence change replaces proline, which is neutral and non-polar, with alanine, which is neutral and non-polar, at codon 1399 of the RELN protein (p.Pro1399Ala). This variant is present in population databases (rs759880105, gnomAD 0.003%). This variant has not been reported in the literature in individuals affected with RELN-related conditions. Algorithms developed to predict the effect of missense changes on protein structure and function are either unavailable or do not agree on the potential impact of this missense change (SIFT: "Deleterious"; PolyPhen-2: "Benign"; Align-GVGD: "Class C0"). In summary, the available evidence is currently insufficient to determine the role of this variant in disease. Therefore, it has been classified as a Variant of Uncertain Significance.

NM_005045.4(RELN):c.4195C>G (p.Pro1399Ala)

Gene: RELN (reelin; minus strand). Cytogenetic location: 7q22.1.
Variant type: single nucleotide variant.
Coding change: c.4195C>G on transcript NM_005045.4 (MANE Select); coding-DNA position 4195, C replaced by G.
Protein change: p.Pro1399Ala; replaces proline 1399 with alanine.
Molecular consequence: missense variant.
Genome position (GRCh38, 1-based): chr7:103,575,656, G>C on the plus strand (C>G on the coding strand, the complement: RELN is on the minus strand). VCF-style: chr7-103575656-G-C. GRCh37 (hg19) VCF-style: chr7-103216103-G-C.
Other names: c.4195C>G, p.Pro1399Ala (NM_173054.3); short protein forms P1399A.
Identifiers: ClinVar variation 1418807 (VCV001418807.8), dbSNP rs759880105, ClinGen allele CA4421571.